The following is an entry in ClinVar:

ClinVar aggregate classification (germline): Uncertain significance (1 of 4 stars; one submission).

Conditions:
Ichthyosis linearis circumflexa. Identifiers: MedGen C0265962, MONDO:0043106, HP:0025810.

Submission:

Labcorp Genetics (formerly Invitae), Labcorp
Classification: Uncertain significance for Ichthyosis linearis circumflexa. Last evaluated: 2021-10-07. Review status: criteria provided, single submitter. Criteria: Invitae Variant Classification Sherloc (09022015). Collection method: clinical testing. Allele origin: germline.
Comment: In summary, the available evidence is currently insufficient to determine the role of this variant in disease. Therefore, it has been classified as a Variant of Uncertain Significance. Algorithms developed to predict the effect of missense changes on protein structure and function output the following: SIFT: "Tolerated"; PolyPhen-2: "Benign"; Align-GVGD: "Class C0". The alanine amino acid residue is found in multiple mammalian species, which suggests that this missense change does not adversely affect protein function. This sequence change replaces threonine with alanine at codon 838 of the SPINK5 protein (p.Thr838Ala). The threonine residue is weakly conserved and there is a small physicochemical difference between threonine and alanine. This variant is not present in population databases (ExAC no frequency). This variant has not been reported in the literature in individuals affected with SPINK5-related conditions.

NM_006846.4(SPINK5):c.2512A>G (p.Thr838Ala)

Gene: SPINK5 (serine peptidase inhibitor Kazal type 5; plus strand). Cytogenetic location: 5q32.
Variant type: single nucleotide variant.
Coding change: c.2512A>G on transcript NM_006846.4 (MANE Select); coding-DNA position 2512, A replaced by G.
Protein change: p.Thr838Ala; replaces threonine 838 with alanine.
Molecular consequence: missense variant.
Genome position (GRCh38, 1-based): chr5:148,120,365, A>G. VCF-style: chr5-148120365-A-G. GRCh37 (hg19) VCF-style: chr5-147499928-A-G.
Other names: c.2512A>G, p.Thr838Ala (NM_001127698.2, NM_001127699.2); short protein forms T838A.
Identifiers: ClinVar variation 1495014 (VCV001495014.6), dbSNP rs1206262718, ClinGen allele CA361646747.
Genomic context (GRCh38, chr5:148,120,365, plus strand): 5'-GCAGCTGAAAAAAAAAAGAAAGAGGATGAAGACAGGAGCAATACAGGAGAAAGGAGCAAT[A>G]CAGGAGAAAGGAGCAATGACAAAGAGGTAATAGATGTTAGACACGCTAATACCTGAATTC-3'
Protein context (NP_006837.2, residues 828-848): DRSNTGERSN[Thr838Ala]GERSNDKEDL